The following is an entry in ClinVar:

ClinVar aggregate classification (germline): Benign. Review status: criteria provided, multiple submitters, no conflicts (2 of 4 stars). 25 submissions from 18 submitters: Benign (22). 3 of the submissions do not count toward it. Last evaluated 2026-02-04.

Conditions:
Cardiovascular phenotype. Identifiers: MedGen CN230736.
Dilated cardiomyopathy 1G (CMD1G). Identifiers: Orphanet 154, MedGen C1858763, MONDO:0011400, OMIM 604145.
Autosomal recessive limb-girdle muscular dystrophy type 2J (LGMDR10). Also called: MUSCULAR DYSTROPHY, LIMB-GIRDLE, AUTOSOMAL RECESSIVE 10; Limb-girdle muscular dystrophy, type 2J. Identifiers: Orphanet 140922, MedGen C1837342, MONDO:0012127, OMIM 608807.
Early-onset myopathy with fatal cardiomyopathy (CMYO5). Also called: CONGENITAL MYOPATHY 5 WITH CARDIOMYOPATHY; Salih Myopathy. Identifiers: Orphanet 289377, MedGen C2673677, MONDO:0012714, OMIM 611705. Disease mechanism: loss of function.
Myopathy, myofibrillar, 9, with early respiratory failure (MFM9). Also called: Myopathy, distal, with early respiratory failure, autosomal dominant; Hereditary myopathy with early respiratory failure; MYOPATHY, PROXIMAL, WITH EARLY RESPIRATORY MUSCLE INVOLVEMENT; EDSTROM MYOPATHY. Identifiers: Orphanet 178464, Orphanet 34521, MedGen C1863599, MONDO:0011362, OMIM 603689.
Tibial muscular dystrophy (TMD). Also called: Udd Distal Myopathy – Tibial Muscular Dystrophy; Tibial muscular dystrophy, tardive; UDD MYOPATHY. Identifiers: Orphanet 609, MedGen C1838244, MONDO:0010870, OMIM 600334.

Allele frequency attached by ClinVar (database versions not stated): ExAC 0.99488; gnomAD exomes 0.99568 and 0.99828; TOPMed 0.98147; gnomAD 0.98231 and 0.98354; 1000 Genomes Project 30x 0.98048; ESP Exome Variant Server 0.98103; 1000 Genomes Project 0.98183.
gnomAD v4.1: 1,608,649 of 1,613,776 alleles (100%); highest among the groups gnomAD compares: East Asian, 100%; 801,899 homozygotes.

Submissions (25):

Labcorp Genetics (formerly Invitae), Labcorp
Classification: Benign for Dilated cardiomyopathy 1G; Autosomal recessive limb-girdle muscular dystrophy type 2J. Last evaluated: 2026-02-04. Review status: criteria provided, single submitter. Criteria: Invitae Variant Classification Sherloc (09022015). Collection method: clinical testing. Allele origin: germline.

Molecular Diagnostic Laboratory for Inherited Cardiovascular Disease, Montreal Heart Institute
Classification: Benign. Last evaluated: 2025-04-09. Review status: criteria provided, single submitter. Criteria: ACMG Guidelines, 2015. Collection method: clinical testing. Allele origin: germline. Affected: no.

Blueprint Genetics
Classification: Benign. Last evaluated: 2024-11-26. Review status: criteria provided, single submitter. Criteria: ACMG Guidelines, 2015. Collection method: clinical testing. Allele origin: germline.

Genome-Nilou Lab
Classification: Benign for Autosomal recessive limb-girdle muscular dystrophy type 2J. Last evaluated: 2021-09-10. Review status: criteria provided, single submitter. Criteria: ACMG Guidelines, 2015. Collection method: clinical testing. Allele origin: germline. Affected: no.

Genome-Nilou Lab
Classification: Benign for Myopathy, myofibrillar, 9, with early respiratory failure. Last evaluated: 2021-09-10. Review status: criteria provided, single submitter. Criteria: ACMG Guidelines, 2015. Collection method: clinical testing. Allele origin: germline. Affected: no.

Genome-Nilou Lab
Classification: Benign for Early-onset myopathy with fatal cardiomyopathy. Last evaluated: 2021-09-10. Review status: criteria provided, single submitter. Criteria: ACMG Guidelines, 2015. Collection method: clinical testing. Allele origin: germline. Affected: no.

Genome-Nilou Lab
Classification: Benign for Tibial muscular dystrophy. Last evaluated: 2021-09-10. Review status: criteria provided, single submitter. Criteria: ACMG Guidelines, 2015. Collection method: clinical testing. Allele origin: germline. Affected: no.

Women's Health and Genetics/Laboratory Corporation of America, LabCorp
Classification: Benign. Last evaluated: 2019-08-09. Review status: criteria provided, single submitter. Criteria: LabCorp Variant Classification Summary - May 2015. Collection method: clinical testing. Allele origin: germline.

Athena Diagnostics
Classification: Benign. Last evaluated: 2019-01-15. Review status: criteria provided, single submitter. Criteria: Athena Diagnostics Criteria. Collection method: clinical testing. Allele origin: germline.

Illumina Laboratory Services, Illumina
Classification: Benign for Dilated cardiomyopathy 1G. Last evaluated: 2018-01-13. Review status: criteria provided, single submitter. Criteria: ICSL Variant Classification Criteria 13 December 2019. Collection method: clinical testing. Allele origin: germline.
Comment: This variant was observed in the ICSL laboratory as part of a predisposition screen in an ostensibly healthy population. It had not been previously curated by ICSL or reported in the Human Gene Mutation Database (HGMD: prior to June 1st, 2018), and was therefore a candidate for classification through an automated scoring system. Utilizing variant allele frequency, disease prevalence and penetrance estimates, and inheritance mode, an automated score was calculated to assess if this variant is too frequent to cause the disease. Based on the score and internal cut-off values, a variant classified as benign is not then subjected to further curation. The score for this variant resulted in a classification of benign for this disease.

Illumina Laboratory Services, Illumina
Classification: Benign for Myopathy, myofibrillar, 9, with early respiratory failure. Last evaluated: 2018-01-13. Review status: criteria provided, single submitter. Criteria: ICSL Variant Classification Criteria 13 December 2019. Collection method: clinical testing. Allele origin: germline.
Comment: the same text as in the submission from Illumina Laboratory Services, Illumina above.

Illumina Laboratory Services, Illumina
Classification: Benign for Early-onset myopathy with fatal cardiomyopathy. Last evaluated: 2018-01-13. Review status: criteria provided, single submitter. Criteria: ICSL Variant Classification Criteria 13 December 2019. Collection method: clinical testing. Allele origin: germline.
Comment: the same text as in the submission from Illumina Laboratory Services, Illumina above.

Illumina Laboratory Services, Illumina
Classification: Benign for Tibial muscular dystrophy. Last evaluated: 2018-01-13. Review status: criteria provided, single submitter. Criteria: ICSL Variant Classification Criteria 13 December 2019. Collection method: clinical testing. Allele origin: germline.
Comment: the same text as in the submission from Illumina Laboratory Services, Illumina above.

Illumina Laboratory Services, Illumina
Classification: Benign for Autosomal recessive limb-girdle muscular dystrophy type 2J. Last evaluated: 2018-01-13. Review status: criteria provided, single submitter. Criteria: ICSL Variant Classification Criteria 13 December 2019. Collection method: clinical testing. Allele origin: germline.
Comment: the same text as in the submission from Illumina Laboratory Services, Illumina above.

Mayo Clinic Laboratories, Mayo Clinic
Classification: Benign. Last evaluated: 2017-07-21. Review status: criteria provided, single submitter. Criteria: ACMG Guidelines, 2015. Collection method: clinical testing. Allele origin: germline. Observed: 2,438 variant alleles.

Genetic Services Laboratory, University of Chicago
Classification: Benign for AllHighlyPenetrant. Last evaluated: 2013-08-15. Review status: criteria provided, single submitter. Criteria: ACMG Guidelines, 2007. Collection method: clinical testing. Allele origin: germline.

Eurofins Ntd Llc (ga)
Classification: Benign. Last evaluated: 2013-05-29. Review status: criteria provided, single submitter. Criteria: EGL Classification Definitions 2015. Collection method: clinical testing. Allele origin: germline. Observed: 11 variant alleles, 11 homozygotes.

GeneDx
Classification: Benign. Last evaluated: 2012-11-01. Review status: criteria provided, single submitter. Criteria: GeneDx Variant Classification (06012015). Collection method: clinical testing. Allele origin: germline. Affected: yes.
Comment: This variant is considered likely benign or benign based on one or more of the following criteria: it is a conservative change, it occurs at a poorly conserved position in the protein, it is predicted to be benign by multiple in silico algorithms, and/or has population frequency not consistent with disease.

Ambry Genetics
Classification: Benign for Cardiovascular phenotype. Last evaluated: 2012-08-09. Review status: criteria provided, single submitter. Criteria: Ambry Autosomal Dominant and X-Linked criteria (10/2015). Collection method: clinical testing. Allele origin: germline. Observed: 1 variant allele.

Laboratory for Molecular Medicine, Mass General Brigham Personalized Medicine
Classification: Benign. Last evaluated: 2011-09-16. Review status: criteria provided, single submitter. Criteria: LMM Criteria. Collection method: clinical testing. Allele origin: germline. Observed: 1,913 variant alleles.

Breakthrough Genomics
Classification: Benign. Review status: criteria provided, single submitter. Criteria: ACMG Guidelines, 2015. Collection method: not provided. Allele origin: germline. Inheritance: Autosomal recessive inheritance. Affected: yes.

PreventionGenetics, part of Exact Sciences
Classification: Benign. Review status: criteria provided, single submitter. Criteria: ACMG Guidelines, 2015. Collection method: clinical testing. Allele origin: germline.

Clinical Genetics DNA and cytogenetics Diagnostics Lab, Erasmus MC, Erasmus Medical Center
Classification: Benign. Review status: no assertion criteria provided. Collection method: clinical testing. Allele origin: germline. Affected: yes. Study: VKGL Data-share Consensus. Not counted in ClinVar's aggregate classification.

Clinical Genetics, Academic Medical Center
Classification: Benign. Review status: no assertion criteria provided. Collection method: clinical testing. Allele origin: germline. Affected: yes. Study: VKGL Data-share Consensus. Not counted in ClinVar's aggregate classification.

Diagnostic Laboratory, Department of Genetics, University Medical Center Groningen
Classification: Benign. Review status: no assertion criteria provided. Collection method: clinical testing. Allele origin: germline. Affected: yes. Study: VKGL Data-share Consensus. Not counted in ClinVar's aggregate classification.

NM_001267550.2(TTN):c.14610C>T (p.Ser4870=)

Gene: TTN (titin; minus strand). Cytogenetic location: 2q31.2.
Variant type: single nucleotide variant.
Coding change: c.14610C>T on transcript NM_001267550.2 (MANE Select); coding-DNA position 14610, C replaced by T.
Protein change: p.Ser4870=; no amino-acid change (serine 4870 retained).
Molecular consequence: synonymous variant. On other transcripts: intron variant (3).
Genome position (GRCh38, 1-based): chr2:178,735,836, G>A on the plus strand (C>T on the coding strand, the complement: TTN is on the minus strand). VCF-style: chr2-178735836-G-A. GRCh37 (hg19) VCF-style: chr2-179600563-G-A.
Other names: p.S3626S:TCC>TCT; p.Ser3626=; c.13659C>T, p.Ser4553= (NM_001256850.1); c.10878C>T, p.Ser3626= (NM_133378.4); c.13282+2246C>T (NM_003319.4); c.13858+2246C>T (NM_133437.4); c.13657+2246C>T (NM_133432.3).
Identifiers: ClinVar variation 46590 (VCV000046590.40), dbSNP rs2742348, ClinGen allele CA282673.